The following is an entry in ClinVar:

ClinVar aggregate classification (germline): Pathogenic (1 of 4 stars; one submission).

Conditions:
Neurofibromatosis, type 1 (NF1). Also called: Peripheral type neurofibromatosis; Neurofibromatosis, type I; VON RECKLINGHAUSEN DISEASE; NEUROFIBROMATOSIS, TYPE I, SOMATIC. Identifiers: Orphanet 636, MedGen C0027831, MONDO:0018975, OMIM 162200. Disease mechanism: loss of function.

Submission:

Labcorp Genetics (formerly Invitae), Labcorp
Classification: Pathogenic for Neurofibromatosis, type 1. Last evaluated: 2018-06-04. Review status: criteria provided, single submitter. Criteria: Invitae Variant Classification Sherloc (09022015). Collection method: clinical testing. Allele origin: germline.
Comment: For these reasons, this variant has been classified as Pathogenic. Loss-of-function variants in NF1 are known to be pathogenic (PMID: 10712197, 23913538). This variant has not been reported in the literature in individuals with NF1-related disease. This variant is not present in population databases (ExAC no frequency). This sequence change creates a premature translational stop signal (p.Asn2220Lysfs*16) in the NF1 gene. It is expected to result in an absent or disrupted protein product.

Literature cited by the submitters: PubMed 10712197; PubMed 23913538.

NM_001042492.3(NF1):c.6722dup (p.Asn2241fs)

Gene: NF1 (neurofibromin 1; plus strand). Cytogenetic location: 17q11.2.
Variant type: Duplication.
Coding change: c.6722dup on transcript NM_001042492.3 (MANE Select); coding-DNA position 6722, one base duplicated (A; older notation c.6722dupA).
Protein change: p.Asn2241fs; shifts the reading frame from asparagine 2241.
Molecular consequence: frameshift variant.
Genome position (GRCh38, 1-based): chr17:31,338,042, A duplicated; the last of 2 consecutive A bases (chr17:31,338,041-31,338,042); duplicating either gives the same sequence. VCF-style (leftmost placement, unchanged base first): chr17-31338040-T-TA. GRCh37 (hg19) VCF-style: chr17-29665058-T-TA.
Other names: c.6659dup, p.Asn2220Lysfs (NM_000267.4); c.6659dupA (NM_000267.3); short protein forms N2241fs, N2220fs.
Identifiers: ClinVar variation 579219 (VCV000579219.5), dbSNP rs1567617849, ClinGen allele CA891844406.